The following is an entry in ClinVar:

NM_001267550.2(TTN):c.54811T>G (p.Phe18271Val)

Genes: TTN (titin; minus strand), TTN-AS1 (TTN antisense RNA 1; plus strand). Cytogenetic location: 2q31.2.
Variant type: single nucleotide variant.
Coding change: c.54811T>G on transcript NM_001267550.2 (MANE Select); coding-DNA position 54811, T replaced by G.
Protein change: p.Phe18271Val; replaces phenylalanine 18271 with valine.
Molecular consequence: missense variant.
Genome position (GRCh38, 1-based): chr2:178,603,876, A>C on the plus strand (T>G on the coding strand, the complement: TTN is on the minus strand). VCF-style: chr2-178603876-A-C. GRCh37 (hg19) VCF-style: chr2-179468603-A-C.
Other names: c.49888T>G, p.Phe16630Val (NM_001256850.1); c.27616T>G, p.Phe9206Val (NM_003319.4); c.47107T>G, p.Phe15703Val (NM_133378.4); c.27991T>G, p.Phe9331Val (NM_133432.3); c.28192T>G, p.Phe9398Val (NM_133437.4); short protein forms F15703V, F16630V, F18271V, F9206V, F9331V, F9398V.
Identifiers: ClinVar variation 4874634 (VCV004874634.2).
Genomic context (GRCh38, chr2:178,603,876, plus strand): 5'-TTATCCATTTAGTGACTTTGTGCTTTAGAAATTAGTCCCCAGAAACGGAAGCATACTTAC[A>C]TATGGGATCTCCTGCAACCTCTGGATCTGATGGTTCACTGGGAGGACCAATTCCTGCAGC-3'
Protein context (NP_001254479.2, residues 18261-18281): SDPEVAGDPI[Phe18271Val]PPGPPSCPEV

ClinVar aggregate classification (germline): Uncertain significance (1 of 4 stars; one submission).

Submission:

CeGaT Center for Human Genetics Tuebingen
Classification: Uncertain significance. Last evaluated: 2026-04-01. Review status: criteria provided, single submitter. Criteria: CeGaT Center For Human Genetics Tuebingen Variant Classification Criteria Version 2. Collection method: clinical testing. Allele origin: germline. Affected: yes. Observed: 1 variant allele.
Comment: TTN: PM2, BP4